The following is an entry in ClinVar:

NM_144991.3(TSPEAR):c.1478C>T (p.Ala493Val)

Gene: TSPEAR (thrombospondin type laminin G domain and EAR repeats; minus strand). Cytogenetic location: 21q22.3.
Variant type: single nucleotide variant.
Coding change: c.1478C>T on transcript NM_144991.3 (MANE Select); coding-DNA position 1478, C replaced by T.
Protein change: p.Ala493Val; replaces alanine 493 with valine.
Molecular consequence: missense variant.
Genome position (GRCh38, 1-based): chr21:44,521,971, G>A on the plus strand (C>T on the coding strand, the complement: TSPEAR is on the minus strand). VCF-style: chr21-44521971-G-A. GRCh37 (hg19) VCF-style: chr21-45941854-G-A.
Other names: c.1274C>T, p.Ala425Val (NM_001272037.2); short protein forms A425V, A493V.
Identifiers: ClinVar variation 4698426 (VCV004698426.1).

ClinVar aggregate classification (germline): Uncertain significance (1 of 4 stars; one submission).

Submission:

Labcorp Genetics (formerly Invitae), Labcorp
Classification: Uncertain significance. Last evaluated: 2026-01-21. Review status: criteria provided, single submitter. Criteria: Invitae Variant Classification Sherloc (09022015). Collection method: clinical testing. Allele origin: germline.
Comment: This sequence change replaces alanine, which is neutral and non-polar, with valine, which is neutral and non-polar, at codon 493 of the TSPEAR protein (p.Ala493Val). This variant is not present in population databases (gnomAD no frequency). This missense change has been observed in individual(s) with clinical features of TSPEAR-related conditions (internal data). Invitae Evidence Modeling of protein sequence and biophysical properties (such as structural, functional, and spatial information, amino acid conservation, physicochemical variation, residue mobility, and thermodynamic stability) has been performed for this missense variant. However, the output from this modeling did not meet the statistical confidence thresholds required to predict the impact of this variant on TSPEAR protein function. In summary, the available evidence is currently insufficient to determine the role of this variant in disease. Therefore, it has been classified as a Variant of Uncertain Significance.